The following is an entry in ClinVar:

NM_001114753.3(ENG):c.1675del (p.Ser559fs)

Genes: ENG (endoglin; minus strand), LOC102723566 (uncharacterized LOC102723566; plus strand). Cytogenetic location: 9q34.11.
Variant type: Deletion.
Coding change: c.1675del on transcript NM_001114753.3 (MANE Select); coding-DNA position 1675, one base deleted (T; older notation c.1675delT).
Protein change: p.Ser559fs; shifts the reading frame from serine 559.
Molecular consequence: frameshift variant.
Genome position (GRCh38, 1-based): chr9:127,818,131, A deleted on the plus strand (T on the coding strand, the reverse complement: ENG is on the minus strand). VCF-style (leftmost placement, unchanged base first): chr9-127818130-GA-G. GRCh37 (hg19) VCF-style: chr9-130580409-GA-G.
Other names: c.1675delT, p.Ser559Leufs (NM_000118.4); c.1129del, p.Ser377fs (NM_001278138.2); short protein forms S559fs, S377fs.
Identifiers: ClinVar variation 958480 (VCV000958480.11), dbSNP rs1830375325, ClinGen allele CA1139659928.
Genomic context (GRCh38, chr9:127,818,130, plus strand): 5'-AGACCTGGAAGCTCCCACTTGAAGCTGGGGCCGGCCCAGGCCCCACTCACCTGGTCTTGA[GA>G]CCCGGTCTTGGGACGCAGGGCTACCGTGCAGCTGAGGGTGCCGGTTTTGGGTATGGGTAC-3'

ClinVar aggregate classification (germline): Pathogenic (1 of 4 stars; one submission).

Conditions:
Hereditary hemorrhagic telangiectasia (HHT). Also called: Osler hemorrhagic telangiectasia syndrome; ORW DISEASE; Osler Weber Rendu syndrome; OSLER-RENDU-WEBER DISEASE. Identifiers: Orphanet 774, MedGen C0039445, MONDO:0019180. Disease mechanism: loss of function.

Submission:

Labcorp Genetics (formerly Invitae), Labcorp
Classification: Pathogenic for Hereditary hemorrhagic telangiectasia. Last evaluated: 2019-10-30. Review status: criteria provided, single submitter. Criteria: Invitae Variant Classification Sherloc (09022015). Collection method: clinical testing. Allele origin: germline.
Comment: For these reasons, this variant has been classified as Pathogenic. This variant disrupts the C-terminus of the ENG protein. Other variant(s) that disrupt this region (p.Leu572*) have been determined to be pathogenic (PMID: 11440987, Invitae). This suggests that variants that disrupt this region of the protein are likely to be causative of disease. This variant has not been reported in the literature in individuals with ENG-related conditions. This variant is not present in population databases (ExAC no frequency). This sequence change results in a premature translational stop signal in the ENG gene (p.Ser559Leufs*14). While this is not anticipated to result in nonsense mediated decay, it is expected to disrupt the last 67 amino acids of the ENG protein.

Literature cited by the submitters: PubMed 11440987.